The following is an entry in ClinVar:

ClinVar aggregate classification (germline): Likely benign. Review status: criteria provided, single submitter (1 of 4 stars). 2 submissions from 2 submitters: Likely benign (1). 1 of the submissions does not count toward it. Last evaluated 2026-01-04.

Conditions:
Nephronophthisis 15 (NPHP15). Identifiers: Orphanet 3156, MedGen C3541853, MONDO:0013917, OMIM 614845.
CEP164-related disorder. Also called: CEP164-related condition.

Allele frequency attached by ClinVar (database versions not stated): gnomAD exomes 0.00001.
gnomAD v4.1: 8 of 1,614,068 alleles (0.0005%); highest among the groups gnomAD compares: Non-Finnish European, 0.00068%; no homozygotes.

Submissions (2):

Labcorp Genetics (formerly Invitae), Labcorp
Classification: Likely benign for Nephronophthisis 15. Last evaluated: 2026-01-04. Review status: criteria provided, single submitter. Criteria: Invitae Variant Classification Sherloc (09022015). Collection method: clinical testing. Allele origin: germline.

PreventionGenetics, part of Exact Sciences
Classification: Likely benign for CEP164-related condition. Last evaluated: 2024-08-21. Review status: no assertion criteria provided. Collection method: clinical testing. Allele origin: germline. Not counted in ClinVar's aggregate classification.
Comment: This variant is classified as likely benign based on ACMG/AMP sequence variant interpretation guidelines (Richards et al. 2015 PMID: 25741868, with internal and published modifications).

NM_014956.5(CEP164):c.2478T>G (p.Ala826=)

Gene: CEP164 (centrosomal protein 164; plus strand). Cytogenetic location: 11q23.3.
Variant type: single nucleotide variant.
Coding change: c.2478T>G on transcript NM_014956.5 (MANE Select); coding-DNA position 2478, T replaced by G.
Protein change: p.Ala826=; no amino-acid change (alanine 826 retained).
Molecular consequence: synonymous variant.
Genome position (GRCh38, 1-based): chr11:117,392,612, T>G. VCF-style: chr11-117392612-T-G. GRCh37 (hg19) VCF-style: chr11-117263328-T-G.
Other names: c.2478T>G (NM_014956.4); c.2487T>G, p.Ala829= (NM_001271933.2).
Identifiers: ClinVar variation 1537646 (VCV001537646.9), dbSNP rs2136360090, ClinGen allele CA476896465.